The following is an entry in ClinVar:

NM_001110556.2(FLNA):c.1439C>T (p.Pro480Leu)

Gene: FLNA (filamin A; minus strand). Cytogenetic location: Xq28.
Variant type: single nucleotide variant.
Coding change: c.1439C>T on transcript NM_001110556.2 (MANE Select); coding-DNA position 1439, C replaced by T.
Protein change: p.Pro480Leu; replaces proline 480 with leucine.
Molecular consequence: missense variant.
Genome position (GRCh38, 1-based): chrX:154,365,477, G>A on the plus strand (C>T on the coding strand, the complement: FLNA is on the minus strand). VCF-style: chrX-154365477-G-A. GRCh37 (hg19) VCF-style: chrX-153593845-G-A.
Other names: p.Pro480Leu; c.1439C>T, p.Pro480Leu (NM_001456.4); c.1439C>T (NM_001110556.1); short protein forms P480L.
Identifiers: ClinVar variation 235716 (VCV000235716.25), dbSNP rs782168634, ClinGen allele CA10561173.

ClinVar aggregate classification (germline): Conflicting classifications of pathogenicity. Review status: criteria provided, conflicting classifications (1 of 4 stars). 7 submissions from 7 submitters: Uncertain significance (2); Benign (1); Likely benign (3). 1 of the submissions does not count toward it. Last evaluated 2025-12-07.

Conditions:
Oto-palato-digital syndrome, type II (OPD2). Also called: Otopalatodigital Syndrome, Type II; FACIOPALATOOSSEOUS SYNDROME; OPD II SYNDROME; Otopalatodigital Syndrome Type 2 (FLNA-OPD2). Identifiers: Orphanet 669, Orphanet 90652, MedGen C1844696, MONDO:0010571, OMIM 304120.
Frontometaphyseal dysplasia (FMD1). Identifiers: Orphanet 1826, MedGen C0265293, MONDO:0015942.
Heterotopia, periventricular, X-linked dominant (PVNH1). Also called: PERIVENTRICULAR NODULAR HETEROTOPIA 1; X-linked periventricular heterotopia; PERIVENTRICULAR NODULAR HETEROTOPIA 4; HETEROTOPIA, PERIVENTRICULAR, 1. Identifiers: Orphanet 2149, Orphanet 82004, MedGen C1848213, MONDO:0010233, OMIM 300049.
Melnick-Needles syndrome (MNS). Also called: MELNICK-NEEDLES OSTEODYSPLASTY; OSTEODYSPLASTY OF MELNICK AND NEEDLES; Melnick-Needles Syndrome (FLNA-MNS). Identifiers: Orphanet 2484, MedGen C0025237, MONDO:0010650, OMIM 309350.
FLNA-related disorder.
Familial thoracic aortic aneurysm and aortic dissection (TAAD). Also called: Thoracic aortic aneurysms and dissections. Identifiers: Orphanet 91387, MedGen C4707243, MONDO:0019625.

Allele frequency attached by ClinVar (database versions not stated): gnomAD 0.00001; TOPMed 0.00002; ExAC 0.00014.
gnomAD v4.1: 77 of 1,209,966 alleles (0.0064%); highest among the groups gnomAD compares: Non-Finnish European, 0.0061%; no homozygotes.

Submissions (7):

Labcorp Genetics (formerly Invitae), Labcorp
Classification: Benign for Oto-palato-digital syndrome, type II; Heterotopia, periventricular, X-linked dominant; Frontometaphyseal dysplasia; Melnick-Needles syndrome. Last evaluated: 2025-12-07. Review status: criteria provided, single submitter. Criteria: Invitae Variant Classification Sherloc (09022015). Collection method: clinical testing. Allele origin: germline.

Women's Health and Genetics/Laboratory Corporation of America, LabCorp
Classification: Likely benign. Last evaluated: 2024-06-09. Review status: criteria provided, single submitter. Criteria: LabCorp Variant Classification Summary - May 2015. Collection method: clinical testing. Allele origin: germline.

GeneDx
Classification: Uncertain significance. Last evaluated: 2024-01-09. Review status: criteria provided, single submitter. Criteria: GeneDx Variant Classification Process June 2021. Collection method: clinical testing. Allele origin: germline. Affected: yes.
Comment: In silico analysis supports that this missense variant has a deleterious effect on protein structure/function; Has not been previously published as pathogenic or benign to our knowledge

Ambry Genetics
Classification: Likely benign for Familial thoracic aortic aneurysm and aortic dissection. Last evaluated: 2023-10-03. Review status: criteria provided, single submitter. Criteria: Ambry Variant Classification Scheme 2023. Collection method: clinical testing. Allele origin: germline.

Mayo Clinic Laboratories, Mayo Clinic
Classification: Uncertain significance. Last evaluated: 2022-05-04. Review status: criteria provided, single submitter. Criteria: ACMG Guidelines, 2015. Collection method: clinical testing. Allele origin: germline. Observed: 1 variant allele.
Comment: BS2, PP2

Center for Pediatric Genomic Medicine, Children's Mercy Hospital and Clinics
Classification: Likely benign. Last evaluated: 2016-04-18. Review status: criteria provided, single submitter. Criteria: ACMG Guidelines, 2015. Collection method: clinical testing. Allele origin: germline.
ClinVar note: Converted during submission from Likely Benign to Likely benign.

PreventionGenetics, part of Exact Sciences
Classification: Likely benign for FLNA-related condition. Last evaluated: 2022-02-09. Review status: no assertion criteria provided. Collection method: clinical testing. Allele origin: germline. Not counted in ClinVar's aggregate classification.
Comment: This variant is classified as likely benign based on ACMG/AMP sequence variant interpretation guidelines (Richards et al. 2015 PMID: 25741868, with internal and published modifications).